The following is an entry in ClinVar:

ClinVar aggregate classification (germline): Uncertain significance (1 of 4 stars; one submission).

Conditions:
Dyskeratosis congenita. Identifiers: Orphanet 1775, MedGen C0265965, MONDO:0015780.

Allele frequency attached by ClinVar (database versions not stated): gnomAD exomes 0.00001; ExAC 0.00002.
gnomAD v4.1: 3 of 1,614,082 alleles (0.00019%); highest among the groups gnomAD compares: South Asian, 0.0022%; no homozygotes.

Submission:

Labcorp Genetics (formerly Invitae), Labcorp
Classification: Uncertain significance for Dyskeratosis congenita. Last evaluated: 2022-08-09. Review status: criteria provided, single submitter. Criteria: Invitae Variant Classification Sherloc (09022015). Collection method: clinical testing. Allele origin: germline.
Comment: This sequence change affects codon 1123 of the CTC1 mRNA. It is a 'silent' change, meaning that it does not change the encoded amino acid sequence of the CTC1 protein. In summary, the available evidence is currently insufficient to determine the role of this variant in disease. Therefore, it has been classified as a Variant of Uncertain Significance. Algorithms developed to predict the effect of sequence changes on RNA splicing suggest that this variant may create or strengthen a splice site. ClinVar contains an entry for this variant (Variation ID: 1429715). This variant has not been reported in the literature in individuals affected with CTC1-related conditions. This variant is present in population databases (rs759771248, gnomAD 0.006%).

NM_025099.6(CTC1):c.3369G>T (p.Gly1123=)

Gene: CTC1 (CST telomere replication complex component 1; minus strand). Cytogenetic location: 17p13.1.
Variant type: single nucleotide variant.
Coding change: c.3369G>T on transcript NM_025099.6 (MANE Select); coding-DNA position 3369, G replaced by T.
Protein change: p.Gly1123=; no amino-acid change (glycine 1123 retained).
Molecular consequence: synonymous variant. On other transcripts: non-coding transcript variant (1).
Genome position (GRCh38, 1-based): chr17:8,228,745, C>A on the plus strand (G>T on the coding strand, the complement: CTC1 is on the minus strand). VCF-style: chr17-8228745-C-A. GRCh37 (hg19) VCF-style: chr17-8132063-C-A.
Identifiers: ClinVar variation 1429715 (VCV001429715.6), dbSNP rs759771248, ClinGen allele CA8371801.